The following is an entry in ClinVar:

NM_018076.5(ODAD2):c.1319G>A (p.Arg440His)

Gene: ODAD2 (outer dynein arm docking complex subunit 2; minus strand). Cytogenetic location: 10p12.1.
Variant type: single nucleotide variant.
Coding change: c.1319G>A on transcript NM_018076.5 (MANE Select); coding-DNA position 1319, G replaced by A.
Protein change: p.Arg440His; replaces arginine 440 with histidine.
Molecular consequence: missense variant. On other transcripts: 5 prime UTR variant (1).
Genome position (GRCh38, 1-based): chr10:27,961,635, C>T on the plus strand (G>A on the coding strand, the complement: ODAD2 is on the minus strand). VCF-style: chr10-27961635-C-T. GRCh37 (hg19) VCF-style: chr10-28250564-C-T.
Other names: c.1319G>A, p.Arg440His (NM_001290020.2); c.-107G>A (NM_001290021.2); c.395G>A, p.Arg132His (NM_001312689.2); short protein forms R440H, R132H.
Identifiers: ClinVar variation 940947 (VCV000940947.8), dbSNP rs762541691, ClinGen allele CA5453581.

ClinVar aggregate classification (germline): Uncertain significance. Review status: criteria provided, multiple submitters, no conflicts (2 of 4 stars). 2 submissions from 2 submitters: Uncertain significance (2). Last evaluated 2025-01-19.

Conditions:
Primary ciliary dyskinesia 23 (CILD23). Also called: CILIARY DYSKINESIA, PRIMARY, 23, WITH OR WITHOUT SITUS INVERSUS. Identifiers: Orphanet 244, MedGen C3809548, MONDO:0014193, OMIM 615451.
Primary ciliary dyskinesia. Also called: Ciliary dyskinesia. Identifiers: Orphanet 244, MedGen C0008780, MONDO:0016575, HP:0012265.

Allele frequency attached by ClinVar (database versions not stated): gnomAD exomes 0.00002 and 0.00003; ExAC 0.00004; TOPMed 0.00005; gnomAD 0.00007.
gnomAD v4.1: 51 of 1,610,992 alleles (0.0032%); highest among the groups gnomAD compares: East Asian, 0.0067%; no homozygotes.

Submissions (2):

Ambry Genetics
Classification: Uncertain significance for Primary ciliary dyskinesia. Last evaluated: 2025-01-19. Review status: criteria provided, single submitter. Criteria: Ambry Variant Classification Scheme 2023. Collection method: clinical testing. Allele origin: germline.

Labcorp Genetics (formerly Invitae), Labcorp
Classification: Uncertain significance for Primary ciliary dyskinesia 23. Last evaluated: 2021-08-27. Review status: criteria provided, single submitter. Criteria: Invitae Variant Classification Sherloc (09022015). Collection method: clinical testing. Allele origin: germline.
Comment: This sequence change replaces arginine with histidine at codon 440 of the ARMC4 protein (p.Arg440His). The arginine residue is moderately conserved and there is a small physicochemical difference between arginine and histidine. The frequency data for this variant in the population databases is considered unreliable, as metrics indicate poor data quality at this position in the ExAC database. This variant has not been reported in the literature in individuals affected with ARMC4-related conditions. Algorithms developed to predict the effect of missense changes on protein structure and function output the following: SIFT: "Tolerated"; PolyPhen-2: "Benign"; Align-GVGD: "Class C0". The histidine amino acid residue is found in multiple mammalian species, which suggests that this missense change does not adversely affect protein function. In summary, the available evidence is currently insufficient to determine the role of this variant in disease. Therefore, it has been classified as a Variant of Uncertain Significance.